The following is an entry in ClinVar:

ClinVar aggregate classification (germline): Uncertain significance (1 of 4 stars; one submission).

Allele frequency attached by ClinVar (database versions not stated): gnomAD exomes below 0.00001.
gnomAD v4.1: 1 of 1,614,066 alleles (0.000062%); highest among the groups gnomAD compares: Non-Finnish European, 0.000085%; no homozygotes.

Submission:

Labcorp Genetics (formerly Invitae), Labcorp
Classification: Uncertain significance. Last evaluated: 2022-08-15. Review status: criteria provided, single submitter. Criteria: Invitae Variant Classification Sherloc (09022015). Collection method: clinical testing. Allele origin: germline.
Comment: This sequence change replaces cysteine, which is neutral and slightly polar, with arginine, which is basic and polar, at codon 555 of the KANK1 protein (p.Cys555Arg). In summary, the available evidence is currently insufficient to determine the role of this variant in disease. Therefore, it has been classified as a Variant of Uncertain Significance. Algorithms developed to predict the effect of missense changes on protein structure and function output the following: SIFT: "Tolerated"; PolyPhen-2: "Benign"; Align-GVGD: "Class C0". The arginine amino acid residue is found in multiple mammalian species, which suggests that this missense change does not adversely affect protein function. ClinVar contains an entry for this variant (Variation ID: 1511611). This variant has not been reported in the literature in individuals affected with KANK1-related conditions. This variant is present in population databases (no rsID available, gnomAD 0.0009%).

NM_015158.5(KANK1):c.1663T>C (p.Cys555Arg)

Gene: KANK1 (KN motif and ankyrin repeat domains 1; plus strand). Cytogenetic location: 9p24.3.
Variant type: single nucleotide variant.
Coding change: c.1663T>C on transcript NM_015158.5 (MANE Select); coding-DNA position 1663, T replaced by C.
Protein change: p.Cys555Arg; replaces cysteine 555 with arginine.
Molecular consequence: missense variant. On other transcripts: non-coding transcript variant (1).
Genome position (GRCh38, 1-based): chr9:712,429, T>C. VCF-style: chr9-712429-T-C. GRCh37 (hg19) VCF-style: chr9-712429-T-C.
Other names: c.1663T>C, p.Cys555Arg (NM_001256876.3, NM_001256877.3, NM_001354331.2 and 2 more transcripts); c.1189T>C, p.Cys397Arg (NM_001354333.2, NM_001354344.2, NM_153186.6 and 9 more transcripts); short protein forms C397R, C555R.
Identifiers: ClinVar variation 1511611 (VCV001511611.6), dbSNP rs1361678163, ClinGen allele CA372748690.